The following is an entry in ClinVar:

NM_000548.5(TSC2):c.4054C>G (p.Leu1352Val)

Gene: TSC2 (TSC complex subunit 2; plus strand). Cytogenetic location: 16p13.3.
Variant type: single nucleotide variant.
Coding change: c.4054C>G on transcript NM_000548.5 (MANE Select); coding-DNA position 4054, C replaced by G.
Protein change: p.Leu1352Val; replaces leucine 1352 with valine.
Molecular consequence: missense variant.
Genome position (GRCh38, 1-based): chr16:2,084,276, C>G. VCF-style: chr16-2084276-C-G. GRCh37 (hg19) VCF-style: chr16-2134277-C-G.
Other names: c.3853C>G, p.Leu1285Val (NM_001077183.3); c.3985C>G, p.Leu1329Val (NM_001114382.3); c.3745C>G, p.Leu1249Val (NM_001318827.2); c.3709C>G, p.Leu1237Val (NM_001318829.2); c.3322C>G, p.Leu1108Val (NM_001318831.2); c.3886C>G, p.Leu1296Val (NM_001318832.2); c.3856C>G, p.Leu1286Val (NM_001363528.2); c.3922C>G, p.Leu1308Val (NM_001370404.1); and 1 more; short protein forms L1108V, L1237V, L1249V, L1285V, L1286V, L1296V, L1308V, L1309V.
Identifiers: ClinVar variation 1016045 (VCV001016045.8), dbSNP rs2090485397, ClinGen allele CA394299343.

ClinVar aggregate classification (germline): Uncertain significance (1 of 4 stars; one submission).

Conditions:
Tuberous sclerosis 2 (TSC2). Identifiers: Orphanet 805, MedGen C1860707, MONDO:0013199, OMIM 613254.

Allele frequency attached by ClinVar (database versions not stated): gnomAD exomes below 0.00001.
gnomAD v4.1: 1 of 1,611,122 alleles (0.000062%); highest among the groups gnomAD compares: Admixed American, 0.0017%; no homozygotes.

Submission:

Labcorp Genetics (formerly Invitae), Labcorp
Classification: Uncertain significance for Tuberous sclerosis 2. Last evaluated: 2020-07-22. Review status: criteria provided, single submitter. Criteria: Invitae Variant Classification Sherloc (09022015). Collection method: clinical testing. Allele origin: germline.
Comment: This sequence change replaces leucine with valine at codon 1352 of the TSC2 protein (p.Leu1352Val). The leucine residue is moderately conserved and there is a small physicochemical difference between leucine and valine. This variant is not present in population databases (ExAC no frequency). In summary, the available evidence is currently insufficient to determine the role of this variant in disease. Therefore, it has been classified as a Variant of Uncertain Significance. Algorithms developed to predict the effect of sequence changes on RNA splicing suggest that this variant may create or strengthen a splice site, but this prediction has not been confirmed by published transcriptional studies. Advanced modeling of protein sequence and biophysical properties (such as structural, functional, and spatial information, amino acid conservation, physicochemical variation, residue mobility, and thermodynamic stability) performed at Invitae indicates that this missense variant is not expected to disrupt TSC2 protein function. This variant has not been reported in the literature in individuals with TSC2-related conditions.